The following is an entry in ClinVar:

ClinVar aggregate classification (germline): Likely benign. Review status: criteria provided, multiple submitters, no conflicts (2 of 4 stars). 3 submissions from 3 submitters: Likely benign (3). Last evaluated 2026-05-16.

Conditions:
MERTK-related disorder. Also called: MERTK-related condition.

Allele frequency attached by ClinVar (database versions not stated): TOPMed 0.00006.
gnomAD v4.1: 35 of 1,613,966 alleles (0.0022%); highest among the groups gnomAD compares: African/African-American, 0.021%; no homozygotes.

Submissions (3):

PreventionGenetics, part of Exact Sciences
Classification: Likely benign for MERTK-related condition. Last evaluated: 2026-05-16. Review status: criteria provided, single submitter. Criteria: ACMG Guidelines, 2015. Collection method: clinical testing. Allele origin: germline.
Comment: This variant is classified as likely benign based on ACMG/AMP sequence variant interpretation guidelines (Richards et al. 2015 PMID: 25741868, with internal and published modifications).

Labcorp Genetics (formerly Invitae), Labcorp
Classification: Likely benign. Last evaluated: 2025-06-12. Review status: criteria provided, single submitter. Criteria: Invitae Variant Classification Sherloc (09022015). Collection method: clinical testing. Allele origin: germline.

Blueprint Genetics
Classification: Likely benign. Last evaluated: 2022-07-29. Review status: criteria provided, single submitter. Criteria: ACMG Guidelines, 2015. Collection method: clinical testing. Allele origin: germline.

NM_006343.3(MERTK):c.1272C>T (p.His424=)

Gene: MERTK (MER proto-oncogene, tyrosine kinase; plus strand). Cytogenetic location: 2q13.
Variant type: single nucleotide variant.
Coding change: c.1272C>T on transcript NM_006343.3 (MANE Select); coding-DNA position 1272, C replaced by T.
Protein change: p.His424=; no amino-acid change (histidine 424 retained).
Molecular consequence: synonymous variant.
Genome position (GRCh38, 1-based): chr2:111,982,969, C>T. VCF-style: chr2-111982969-C-T. GRCh37 (hg19) VCF-style: chr2-112740546-C-T.
Identifiers: ClinVar variation 746365 (VCV000746365.11), dbSNP rs747244747, ClinGen allele CA1831311.